The following is an entry in ClinVar:

ClinVar aggregate classification (germline): Uncertain significance (1 of 4 stars; one submission).

Submission:

Clinical Genomics Laboratory, Laboratory for Precision Diagnostics, University of Washington
Classification: Uncertain significance. Last evaluated: 2021-08-30. Review status: criteria provided, single submitter. Criteria: ACMG/ClinGen CNV Guidelines, 2019. Collection method: clinical testing. Allele origin: unknown. Affected: yes. Observed: 1 variant allele.
Comment: The classification of this duplication is uncertain, per ACMGG interpretation standards. It affects protein-coding elements (Section 1, 0 points) but doesn’t overlap any known dosage sensitive genes or regions (Section 2, 0 points). Four protein-coding genes are affected by the duplication (Section 3, 0 points). A review of public databases (ClinVar, DECIPHER) and the medical literature shows no informative patients with a similar duplication (Section 4, 0 points). No similar duplications appear in the Database of Genomic Variants (DGV) and gnomAD (Section 4O, 0 points). Parental testing has not been done (Section 5, 0 points).

GRCh38/hg38 5q11.2(chr5:52768241-53378841)x3

Genes: ITGA1 (integrin subunit alpha 1; plus strand), ITGA2 (integrin subunit alpha 2; plus strand), ITGA2-AS1 (ITGA2 antisense RNA 1; minus strand), MOCS2 (molybdenum cofactor synthesis 2; minus strand), MOCS2-DT (MOCS2 divergent transcript; plus strand) and 13 more. Cytogenetic location: 5q11.2.
Variant type: copy number gain.
Change: copy number 3 (three copies instead of two) of chr5:52,768,241-53,378,841 (610.6 kb, GRCh38 coordinates, 1-based), cytogenetic band 5q11.2.
Identifiers: ClinVar variation 4755356 (VCV004755356.1).